The following is an entry in ClinVar:

NM_000405.5(GM2A):c.182C>G (p.Pro61Arg)

Gene: GM2A (ganglioside GM2 activator; plus strand). Cytogenetic location: 5q33.1.
Variant type: single nucleotide variant.
Coding change: c.182C>G on transcript NM_000405.5 (MANE Select); coding-DNA position 182, C replaced by G.
Protein change: p.Pro61Arg; replaces proline 61 with arginine.
Molecular consequence: missense variant.
Genome position (GRCh38, 1-based): chr5:151,259,855, C>G. VCF-style: chr5-151259855-C-G. GRCh37 (hg19) VCF-style: chr5-150639416-C-G.
Other names: c.182C>G, p.Pro61Arg (NM_001167607.3); c.182C>G (NM_000405.4); short protein forms P61R.
Identifiers: ClinVar variation 2161013 (VCV002161013.2), dbSNP rs141199254, ClinGen allele CA3517888.

ClinVar aggregate classification (germline): Uncertain significance. Review status: criteria provided, multiple submitters, no conflicts (2 of 4 stars). 2 submissions from 2 submitters: Uncertain significance (2). Last evaluated 2026-06-01.

Conditions:
Inborn genetic diseases. Identifiers: MedGen C0950123, MeSH D030342.
Tay-Sachs disease, variant AB. Also called: Gm2-gangliosidosis, ab variant; GM2 Activator Deficiency. Identifiers: Orphanet 309246, MedGen C0268275, MONDO:0010099, OMIM 272750.

Allele frequency attached by ClinVar (database versions not stated): gnomAD 0.00010; ESP Exome Variant Server 0.00015; ExAC 0.00002; TOPMed 0.00009; gnomAD exomes 0.00001.
gnomAD v4.1: 35 of 1,613,542 alleles (0.0022%); highest among the groups gnomAD compares: African/African-American, 0.037%; no homozygotes.

Submissions (2):

Ambry Genetics
Classification: Uncertain significance for Inborn genetic diseases. Last evaluated: 2026-06-01. Review status: criteria provided, single submitter. Criteria: Ambry Variant Classification Scheme 2023. Collection method: clinical testing. Allele origin: germline.
Comment: The c.182C>G (p.P61R) alteration is located in exon 2 (coding exon 2) of the GM2A gene. This alteration results from a C to G substitution at nucleotide position 182, causing the proline (P) at amino acid position 61 to be replaced by an arginine (R). Based on data from gnomAD, the G allele has an overall frequency of 0.005% (14/282782) total alleles studied. The highest observed frequency was 0.048% (12/24964) of African alleles. This amino acid position is highly conserved in available vertebrate species. Based on insufficient or conflicting evidence, the clinical significance of this alteration remains unclear.

Labcorp Genetics (formerly Invitae), Labcorp
Classification: Uncertain significance for Tay-Sachs disease, variant AB. Last evaluated: 2022-09-01. Review status: criteria provided, single submitter. Criteria: Invitae Variant Classification Sherloc (09022015). Collection method: clinical testing. Allele origin: germline.
Comment: This sequence change replaces proline, which is neutral and non-polar, with arginine, which is basic and polar, at codon 61 of the GM2A protein (p.Pro61Arg). This variant is present in population databases (rs141199254, gnomAD 0.05%). This variant has not been reported in the literature in individuals affected with GM2A-related conditions. Algorithms developed to predict the effect of missense changes on protein structure and function are either unavailable or do not agree on the potential impact of this missense change (SIFT: "Deleterious"; PolyPhen-2: "Probably Damaging"; Align-GVGD: "Class C0"). In summary, the available evidence is currently insufficient to determine the role of this variant in disease. Therefore, it has been classified as a Variant of Uncertain Significance.

Literature cited by the submitters: PubMed 28106320 (cited by Ambry Genetics).